The following is an entry in ClinVar:

ClinVar aggregate classification (germline): Likely pathogenic. Review status: criteria provided, multiple submitters, no conflicts (2 of 4 stars). 2 submissions from 2 submitters: Likely pathogenic (2). Last evaluated 2025-12-31.

Conditions:
Smith-Lemli-Opitz syndrome (SLOS). Also called: LETHAL ACRODYSGENITAL SYNDROME; POLYDACTYLY, SEX REVERSAL, RENAL HYPOPLASIA, AND UNILOBAR LUNG; RSH SYNDROME; RUTLEDGE LETHAL MULTIPLE CONGENITAL ANOMALY SYNDROME; 7-Dehydrocholesterol reductase deficiency. Identifiers: Orphanet 818, MedGen C0175694, MONDO:0010035, OMIM 270400.

Allele frequency attached by ClinVar (database versions not stated): gnomAD exomes below 0.00001.
gnomAD v4.1: 1 of 1,614,178 alleles (0.000062%); highest among the groups gnomAD compares: Non-Finnish European, 0.000085%; no homozygotes.

Submissions (2):

Natera, Inc.
Classification: Likely pathogenic for Smith-Lemli-Opitz syndrome. Last evaluated: 2025-12-31. Review status: criteria provided, single submitter. Criteria: Natera Variant Classification Schema (03/2026). Collection method: clinical testing. Allele origin: germline.
Comment: The c.473G>A variant in DHCR7 is a nonsense variant predicted to introduce a stop codon at amino acid 158. This variant is expected to result in nonsense mediated decay, truncation, or a dysfunctional protein product. This variant is rare in the general population with a frequency below the threshold expected for the associated phenotype(s). Given the available evidence, this variant is classified as Likely Pathogenic.

Women's Health and Genetics/Laboratory Corporation of America, LabCorp
Classification: Likely pathogenic for Smith-Lemli-Opitz syndrome. Last evaluated: 2022-10-13. Review status: criteria provided, single submitter. Criteria: LabCorp Variant Classification Summary - May 2015. Collection method: clinical testing. Allele origin: germline.
Comment: Variant summary: DHCR7 c.473G>A (p.Trp158X) results in a premature termination codon, predicted to cause a truncation of the encoded protein or absence of the protein due to nonsense mediated decay, which are commonly known mechanisms for disease. Truncations downstream of this position are classified as pathogenic in ClinVar and associated with Smith-Lemli-Opitz syndrome in HGMD. The variant allele was found at a frequency of 4e-06 in 250360 control chromosomes. To our knowledge, no occurrence of c.473G>A in individuals affected with Smith-Lemli-Opitz Syndrome and no experimental evidence demonstrating its impact on protein function have been reported. No clinical diagnostic laboratories have submitted clinical-significance assessments for this variant to ClinVar after 2014. Based on the evidence outlined above, the variant was classified as likely pathogenic.

NM_001360.3(DHCR7):c.473G>A (p.Trp158Ter)

Gene: DHCR7 (7-dehydrocholesterol reductase; minus strand). Cytogenetic location: 11q13.4.
Variant type: single nucleotide variant.
Coding change: c.473G>A on transcript NM_001360.3 (MANE Select); coding-DNA position 473, G replaced by A.
Protein change: p.Trp158Ter; replaces tryptophan 158 with a stop codon.
Molecular consequence: nonsense.
Genome position (GRCh38, 1-based): chr11:71,441,380, C>T on the plus strand (G>A on the coding strand, the complement: DHCR7 is on the minus strand). VCF-style: chr11-71441380-C-T. GRCh37 (hg19) VCF-style: chr11-71152426-C-T.
Other names: c.473G>A, p.Trp158Ter (NM_001163817.2); short protein forms W158*.
Identifiers: ClinVar variation 1723309 (VCV001723309.3), dbSNP rs1343783336, ClinGen allele CA381694608.
Genomic context (GRCh38, chr11:71,441,380, plus strand): 5'-ATCCAGTTGTCGAAGATGATGGTGGGCGAGAACCAGGACAGGAGATGAGCGTTTGCAAAC[C>T]AGAGCAGGTGCGTGAGGAGCCAGGCTTGCAGGCCATTGATCTGATACTTGTTCACAACCC-3'